The following is an entry in ClinVar:

NM_001963.6(EGF):c.2015A>G (p.Asp672Gly)

Gene: EGF (epidermal growth factor; plus strand). Cytogenetic location: 4q25.
Variant type: single nucleotide variant.
Coding change: c.2015A>G on transcript NM_001963.6 (MANE Select); coding-DNA position 2015, A replaced by G.
Protein change: p.Asp672Gly; replaces aspartic acid 672 with glycine.
Molecular consequence: missense variant.
Genome position (GRCh38, 1-based): chr4:109,976,197, A>G. VCF-style: chr4-109976197-A-G. GRCh37 (hg19) VCF-style: chr4-110897353-A-G.
Other names: c.2015A>G, p.Asp672Gly (NM_001178130.3); c.1889A>G, p.Asp630Gly (NM_001178131.3, NM_001357021.2); short protein forms D672G, D630G.
Identifiers: ClinVar variation 3642992 (VCV003642992.2).
Genomic context (GRCh38, chr4:109,976,197, plus strand): 5'-TAACTGACAAGTTGTACTGGTGCGATGCCAAGCAGTCTGTGATTGAAATGGCCAATCTGG[A>G]TGGTTCAAAACGCCGAAGACTTACCCAGAATGATGTAGGTGAGGCTTTGGGATGGGCGAT-3'
Protein context (NP_001954.2, residues 662-682): KQSVIEMANL[Asp672Gly]GSKRRRLTQN

ClinVar aggregate classification (germline): Uncertain significance (1 of 4 stars; one submission).

Submission:

Labcorp Genetics (formerly Invitae), Labcorp
Classification: Uncertain significance. Last evaluated: 2024-03-18. Review status: criteria provided, single submitter. Criteria: Invitae Variant Classification Sherloc (09022015). Collection method: clinical testing. Allele origin: germline.
Comment: This sequence change replaces aspartic acid, which is acidic and polar, with glycine, which is neutral and non-polar, at codon 672 of the EGF protein (p.Asp672Gly). This variant is not present in population databases (gnomAD no frequency). This variant has not been reported in the literature in individuals affected with EGF-related conditions. An algorithm developed to predict the effect of missense changes on protein structure and function (PolyPhen-2) suggests that this variant is likely to be disruptive. In summary, the available evidence is currently insufficient to determine the role of this variant in disease. Therefore, it has been classified as a Variant of Uncertain Significance.